The following is an entry in ClinVar:

ClinVar aggregate classification (germline): Conflicting classifications of pathogenicity. Review status: criteria provided, conflicting classifications (1 of 4 stars). 3 submissions from 3 submitters: Uncertain significance (1); Likely benign (1). 1 of the submissions does not count toward it. Last evaluated 2024-11-27.

Conditions:
Alpha thalassemia-X-linked intellectual disability syndrome (ATRX). Also called: ALPHA-THALASSEMIA/IMPAIRED INTELLECTUAL DEVELOPMENT SYNDROME, X-LINKED; ALPHA-THALASSEMIA/MENTAL RETARDATION SYNDROME, X-LINKED; ATR, NONDELETION TYPE; X-linked alpha-thalassemia-mental retardation syndrome; ATR-X syndrome; Alpha thalassemia mental retardation syndrome, nondeletion type, X-linked. Identifiers: Orphanet 847, MedGen C1845055, MONDO:0010519, OMIM 301040.
Inborn genetic diseases. Identifiers: MedGen C0950123, MeSH D030342.

Allele frequency attached by ClinVar (database versions not stated): gnomAD exomes 0.00001 and 0.00002; TOPMed 0.00001; gnomAD 0.00001 and 0.00002; ExAC 0.00001.
gnomAD v4.1: 23 of 1,207,398 alleles (0.0019%); highest among the groups gnomAD compares: Middle Eastern, 0.023%; no homozygotes.

Submissions (3):

Labcorp Genetics (formerly Invitae), Labcorp
Classification: Likely benign for Alpha thalassemia-X-linked intellectual disability syndrome. Last evaluated: 2024-11-27. Review status: criteria provided, single submitter. Criteria: Invitae Variant Classification Sherloc (09022015). Collection method: clinical testing. Allele origin: germline.

Ambry Genetics
Classification: Uncertain significance for Inborn genetic diseases. Last evaluated: 2016-11-28. Review status: criteria provided, single submitter. Criteria: Ambry Variant Classification Scheme 2023. Collection method: clinical testing. Allele origin: germline.
Comment: The p.P449R variant (also known as c.1346C>G), located in coding exon 9 of the ATRX gene, results from a C to G substitution at nucleotide position 1346. The proline at codon 449 is replaced by arginine, an amino acid with dissimilar properties. This amino acid position is not well conserved in available vertebrate species. In addition, this alteration is predicted to be tolerated by in silico analysis. Since supporting evidence is limited at this time, the clinical significance of this variant remains unclear.

Natera, Inc.
Classification: Uncertain significance for X-linked alpha-thalassemia-mental retardation syndrome. Last evaluated: 2021-03-13. Review status: no assertion criteria provided. Collection method: clinical testing. Allele origin: germline. Not counted in ClinVar's aggregate classification.

NM_000489.6(ATRX):c.1346C>G (p.Pro449Arg)

Gene: ATRX (ATRX chromatin remodeler; minus strand). Cytogenetic location: Xq21.1.
Variant type: single nucleotide variant.
Coding change: c.1346C>G on transcript NM_000489.6 (MANE Select); coding-DNA position 1346, C replaced by G.
Protein change: p.Pro449Arg; replaces proline 449 with arginine.
Molecular consequence: missense variant.
Genome position (GRCh38, 1-based): chrX:77,683,910, G>C on the plus strand (C>G on the coding strand, the complement: ATRX is on the minus strand). VCF-style: chrX-77683910-G-C. GRCh37 (hg19) VCF-style: chrX-76939402-G-C.
Other names: c.1232C>G, p.Pro411Arg (NM_138270.5); short protein forms P449R, P411R.
Identifiers: ClinVar variation 588491 (VCV000588491.11), dbSNP rs782163488, ClinGen allele CA10458214.